The following is an entry in ClinVar:

ClinVar aggregate classification (germline): Likely benign (1 of 4 stars; one submission).

Allele frequency attached by ClinVar (database versions not stated): gnomAD exomes below 0.00001; ExAC 0.00001.
gnomAD v4.1: 4 of 1,614,096 alleles (0.00025%); highest among the groups gnomAD compares: Non-Finnish European, 0.00034%; no homozygotes.

Submission:

GeneDx
Classification: Likely benign. Last evaluated: 2018-03-19. Review status: criteria provided, single submitter. Criteria: GeneDx Variant Classification (06012015). Collection method: clinical testing. Allele origin: germline. Affected: yes.
Comment: This variant is considered likely benign or benign based on one or more of the following criteria: it is a conservative change, it occurs at a poorly conserved position in the protein, it is predicted to be benign by multiple in silico algorithms, and/or has population frequency not consistent with disease.

NM_032861.4(SERAC1):c.1077T>C (p.Ala359=)

Gene: SERAC1 (serine active site containing 1; minus strand). Cytogenetic location: 6q25.3.
Variant type: single nucleotide variant.
Coding change: c.1077T>C on transcript NM_032861.4 (MANE Select); coding-DNA position 1077, T replaced by C.
Protein change: p.Ala359=; no amino-acid change (alanine 359 retained).
Molecular consequence: synonymous variant. On other transcripts: non-coding transcript variant (1).
Genome position (GRCh38, 1-based): chr6:158,120,514, A>G on the plus strand (T>C on the coding strand, the complement: SERAC1 is on the minus strand). VCF-style: chr6-158120514-A-G. GRCh37 (hg19) VCF-style: chr6-158541546-A-G.
Identifiers: ClinVar variation 677293 (VCV000677293.1), dbSNP rs747153622, ClinGen allele CA4071194.